The following is an entry in ClinVar:

NM_000053.4(ATP7B):c.676_677del (p.Arg226fs)

Gene: ATP7B (ATPase copper transporting beta; minus strand). Cytogenetic location: 13q14.3.
Variant type: Deletion.
Coding change: c.676_677del on transcript NM_000053.4 (MANE Select); coding-DNA positions 676 to 677, 2 bases deleted (CG; older notation c.676_677delCG).
Protein change: p.Arg226fs; shifts the reading frame from arginine 226.
Molecular consequence: frameshift variant.
Genome position (GRCh38, 1-based): chr13:51,974,543-51,974,544, CG deleted on the plus strand (CG on the coding strand, the reverse complement: ATP7B is on the minus strand); deleting any 2 consecutive bases within chr13:51,974,543-51,974,545 gives the same sequence; the c. name uses the placement nearest the transcript's 3' end. VCF-style (leftmost placement, unchanged base first): chr13-51974542-CCG-C. GRCh37 (hg19) VCF-style: chr13-52548678-CCG-C.
Other names: p.Arg226Valfs*5; c.676_677del, p.Arg226fs (NM_001005918.3, NM_001243182.2, NM_001330578.2 and 1 more transcripts); c.675_676delGC, p.Arg226Valfs (NM_001406511.1, NM_001406512.1, NM_001406513.1 and 26 more transcripts); c.579_580delGC, p.Arg194Valfs (NM_001406517.1, NM_001406518.1, NM_001406530.1 and 4 more transcripts); short protein forms R226fs.
Identifiers: ClinVar variation 2200306 (VCV002200306.5), dbSNP rs2547819753, ClinGen allele CA2580087691.
Genomic context (GRCh38, chr13:51,974,542, plus strand): 5'-AGAATTATTAAAATTCTGGTTAGCAGAAGATAAAGGTCTCTTTGGGTTAGTGCTTTGTAA[CCG>C]CTCAATATCAATTGGTCCCAGGCTTAAGGGAGCCACTTTGCTCTTGATGGCAGCTTCAAA-3'

ClinVar aggregate classification (germline): Pathogenic/Likely pathogenic. Review status: criteria provided, multiple submitters, no conflicts (2 of 4 stars). 2 submissions from 2 submitters: Pathogenic (1); Likely pathogenic (1). Last evaluated 2023-10-17.

Conditions:
Wilson disease (WND). Also called: Wilson's disease. Identifiers: Orphanet 905, MedGen C0019202, MONDO:0010200, OMIM 277900. Disease mechanism: loss of function.

Submissions (2):

Mayo Clinic Laboratories, Mayo Clinic
Classification: Likely pathogenic. Last evaluated: 2023-10-17. Review status: criteria provided, single submitter. Criteria: ACMG Guidelines, 2015. Collection method: clinical testing. Allele origin: germline. Observed: 1 variant allele.
Comment: PM2_moderate, PM3_supporting, PVS1

Labcorp Genetics (formerly Invitae), Labcorp
Classification: Pathogenic for Wilson disease. Last evaluated: 2023-09-03. Review status: criteria provided, single submitter. Criteria: Invitae Variant Classification Sherloc (09022015). Collection method: clinical testing. Allele origin: germline.
Comment: This variant is not present in population databases (gnomAD no frequency). For these reasons, this variant has been classified as Pathogenic. ClinVar contains an entry for this variant (Variation ID: 2200306). This variant has not been reported in the literature in individuals affected with ATP7B-related conditions. This sequence change creates a premature translational stop signal (p.Arg226Valfs*5) in the ATP7B gene. It is expected to result in an absent or disrupted protein product. Loss-of-function variants in ATP7B are known to be pathogenic (PMID: 10441329, 16283883).

Literature cited by the submitters: PubMed 10441329 (cited by Labcorp Genetics (formerly Invitae), Labcorp); PubMed 16283883 (cited by Labcorp Genetics (formerly Invitae), Labcorp).